The following is an entry in ClinVar:

NM_001376.5(DYNC1H1):c.3743G>A (p.Arg1248Gln)

Gene: DYNC1H1 (dynein cytoplasmic 1 heavy chain 1; plus strand). Cytogenetic location: 14q32.31.
Variant type: single nucleotide variant.
Coding change: c.3743G>A on transcript NM_001376.5 (MANE Select); coding-DNA position 3743, G replaced by A.
Protein change: p.Arg1248Gln; replaces arginine 1248 with glutamine.
Molecular consequence: missense variant.
Genome position (GRCh38, 1-based): chr14:101,997,213, G>A. VCF-style: chr14-101997213-G-A. GRCh37 (hg19) VCF-style: chr14-102463550-G-A.
Other names: c.3743G>A (NM_001376.4); short protein forms R1248Q.
Identifiers: ClinVar variation 1008739 (VCV001008739.9), dbSNP rs779578539, ClinGen allele CA7352067.
Genomic context (GRCh38, chr14:101,997,213, plus strand): 5'-AGGACTCTGCCATTCAGCAGCAGGTGGCAAACCTGCAAATGAAGATTGTCCAGGAGGATC[G>A]GGCCGTGGAAAGCCGCACCACCGACCTGCTGACTGACTGGGAGAAGACCAAGCCTGTCAC-3'
Protein context (NP_001367.2, residues 1238-1258): NLQMKIVQED[Arg1248Gln]AVESRTTDLL

ClinVar aggregate classification (germline): Uncertain significance. Review status: criteria provided, multiple submitters, no conflicts (2 of 4 stars). 2 submissions from 2 submitters: Uncertain significance (2). Last evaluated 2023-12-06.

Conditions:
Charcot-Marie-Tooth disease axonal type 2O. Also called: Charcot-Marie-Tooth disease, axonal, type 20; CHARCOT-MARIE-TOOTH NEUROPATHY, AXONAL, TYPE 2O; CHARCOT-MARIE-TOOTH DISEASE, AXONAL, AUTOSOMAL DOMINANT, TYPE 2O; Charcot-Marie-Tooth Neuropathy Type 2O. Identifiers: Orphanet 284232, MedGen C3280220, MONDO:0013644, OMIM 614228.

Allele frequency attached by ClinVar (database versions not stated): TOPMed below 0.00001; gnomAD exomes 0.00001; ExAC 0.00002.
gnomAD v4.1: 3 of 1,613,942 alleles (0.00019%); highest among the groups gnomAD compares: East Asian, 0.0022%; no homozygotes.

Submissions (2):

GeneDx
Classification: Uncertain significance. Last evaluated: 2023-12-06. Review status: criteria provided, single submitter. Criteria: GeneDx Variant Classification Process June 2021. Collection method: clinical testing. Allele origin: germline. Affected: yes.
Comment: In silico analysis supports that this missense variant does not alter protein structure/function; Has not been previously published as pathogenic or benign to our knowledge; This variant is associated with the following publications: (PMID: 25512093, 25609763, 26100331)

Labcorp Genetics (formerly Invitae), Labcorp
Classification: Uncertain significance for Charcot-Marie-Tooth disease axonal type 2O. Last evaluated: 2020-10-15. Review status: criteria provided, single submitter. Criteria: Invitae Variant Classification Sherloc (09022015). Collection method: clinical testing. Allele origin: germline.
Comment: This sequence change replaces arginine with glutamine at codon 1248 of the DYNC1H1 protein (p.Arg1248Gln). The arginine residue is moderately conserved and there is a small physicochemical difference between arginine and glutamine. This variant is present in population databases (rs779578539, ExAC 0.003%). This variant has not been reported in the literature in individuals with DYNC1H1-related conditions. Advanced modeling of protein sequence and biophysical properties (such as structural, functional, and spatial information, amino acid conservation, physicochemical variation, residue mobility, and thermodynamic stability) performed at Invitae indicates that this missense variant is not expected to disrupt DYNC1H1 protein function. In summary, the available evidence is currently insufficient to determine the role of this variant in disease. Therefore, it has been classified as a Variant of Uncertain Significance.